The following continues an entry in ClinVar:

NM_000487.6(ARSA):c.869G>A (p.Arg290His)

Gene: ARSA. ClinVar aggregate classification (germline): Pathogenic/Likely pathogenic. Pathogenic (10); Likely pathogenic (6).

Submissions 12 to 18 of 18:

Myriad Genetics, Inc.
Classification: Likely pathogenic for Metachromatic leukodystrophy. Last evaluated: 2020-01-06. Review status: criteria provided, single submitter. Criteria: Myriad Women's Health Autosomal Recessive and X-Linked Classification Criteria (2019). Collection method: clinical testing. Allele origin: unknown.
Comment: NM_000487.5(ARSA):c.869G>A(R290H) is classified as likely pathogenic in the context of metachromatic leukodystrophy. Sources cited for classification include the following: PMID 26462614, 12809637, 15139291 and 10477432. Classification of NM_000487.5(ARSA):c.869G>A(R290H) is based on the following criteria: This variant has been observed more frequently in patients with clinical diagnoses than in healthy populations. Please note: this variant was assessed in the context of healthy population screening.

Women's Health and Genetics/Laboratory Corporation of America, LabCorp
Classification: Pathogenic for Metachromatic leukodystrophy. Last evaluated: 2019-12-31. Review status: criteria provided, single submitter. Criteria: LabCorp Variant Classification Summary - May 2015. Collection method: clinical testing. Allele origin: germline.
Comment: Variant summary: ARSA c.869G>A (p.Arg290His) results in a non-conservative amino acid change located in the Sulfatase, N-terminal (IPT000917) of the encoded protein sequence. Four of five in-silico tools predict a damaging effect of the variant on protein function. The variant allele was found at a frequency of 0.00012 in 248178 control chromosomes. This frequency is not significantly higher than expected for a pathogenic variant in ARSA causing Metachromatic Leukodystrophy (0.00012 vs 0.0028), allowing no conclusion about variant significance. c.869G>A has been reported in the literature in individuals affected with Metachromatic Leukodystrophy (example, Gort_1999, Rafi_2003, Yaghooftam_2004, Cesani_2015). These data indicate that the variant is likely to be associated with disease. At least one publication reports experimental evidence evaluating an impact on protein function. The most pronounced variant effect results in 40% of normal activity in a heterologous experimental system (Yaghooftam_2004). Four clinical diagnostic laboratories have submitted clinical-significance assessments for this variant to ClinVar after 2014 without evidence for independent evaluation. All laboratories classified the variant as pathogenic (n=1)/likely pathogenic (n=3). Based on the evidence outlined above, the variant was classified as pathogenic.

Fulgent Genetics
Classification: Likely pathogenic for Metachromatic leukodystrophy. Last evaluated: 2018-10-31. Review status: criteria provided, single submitter. Criteria: ACMG Guidelines, 2015. Collection method: clinical testing. Allele origin: unknown.

Baylor Genetics
Classification: Pathogenic for Metachromatic leukodystrophy. Review status: criteria provided, single submitter. Criteria: ACMG Guidelines, 2015. Collection method: clinical testing. Allele origin: germline.

Juno Genomics, Hangzhou Juno Genomics, Inc
Classification: Pathogenic for Metachromatic leukodystrophy. Review status: criteria provided, single submitter. Criteria: ACMG Guidelines, 2015. Collection method: clinical testing. Allele origin: germline.
Comment: Absent from controls (or at extremely low frequency if recessive) in Genome Aggregation Database.;Well-established in vitro or in vivo functional studies supportive of a damaging effect on the gene or gene product.;Novel missense change at an amino acid residue where a different missense change determined to be pathogenic has been seen before.;For recessive disorders, detected in trans with a pathogenic variant.;Patient's phenotype or family history is highly specific for a disease with a single genetic etiology.

PreventionGenetics, part of Exact Sciences
Classification: Likely pathogenic for ARSA-related condition. Last evaluated: 2023-12-02. Review status: no assertion criteria provided. Collection method: clinical testing. Allele origin: germline. Not counted in ClinVar's aggregate classification.
Comment: The ARSA c.869G>A variant is predicted to result in the amino acid substitution p.Arg290His. This variant has been reported in the compound heterozygous state in several individuals with metachromatic leukodystrophy (Reported as R288H in Gort et al. 1999. PubMed ID: 10477432; Rafi et al. 2003. PubMed ID: 12809637; Cesani et al. 2015. PubMed ID: 26462614). A different amino acid substitution at this same position (c.868C>A, Arg290Ser) has also been reported in patients with metachromatic leukodystrophy (Reported as R288S in Luzi et al. 2013. PubMed ID: 24001781). This variant is reported in 0.021% of alleles in individuals of European (Non-Finnish) descent in gnomAD. This variant is interpreted as likely pathogenic.

UniProtKB/Swiss-Prot
No classification provided. Review status: no classification provided. Collection method: not provided. Allele origin: not provided. Not counted in ClinVar's aggregate classification.

Literature cited by the submitters: PubMed 10477432 (cited by 8 submitters); PubMed 12809637 (cited by 8 submitters); PubMed 15139291 (cited by 7 submitters); PubMed 26462614 (cited by 7 submitters); PubMed 7866401 (cited by Labcorp Genetics (formerly Invitae), Labcorp and Variantyx, Inc.); PubMed 16678723 (cited by Labcorp Genetics (formerly Invitae), Labcorp); PubMed 17560502 (cited by Labcorp Genetics (formerly Invitae), Labcorp); PubMed 19815439 (cited by Labcorp Genetics (formerly Invitae), Labcorp); PubMed 31922725 (cited by Natera, Inc. and Mayo Clinic Laboratories, Mayo Clinic); PubMed 32875726 (cited by Mayo Clinic Laboratories, Mayo Clinic and Ambry Genetics); PubMed 37381728 (cited by Mayo Clinic Laboratories, Mayo Clinic); PubMed 37480112 (cited by Mayo Clinic Laboratories, Mayo Clinic).